The following is an entry in ClinVar:

ClinVar aggregate classification (germline): Uncertain significance. Review status: criteria provided, multiple submitters, no conflicts (2 of 4 stars). 3 submissions from 3 submitters: Uncertain significance (3). Last evaluated 2025-07-12.

Conditions:
Gorlin syndrome. Also called: Nevoid Basal Cell Carcinoma Syndrome; Basal cell nevus syndrome. Identifiers: Orphanet 377, MedGen C0004779, MONDO:0007187.
Hereditary cancer-predisposing syndrome. Also called: Neoplastic Syndromes, Hereditary; Hereditary Cancer Syndrome; Tumor predisposition; Hereditary neoplastic syndrome. Identifiers: Orphanet 140162, MedGen C0027672, MeSH D009386, MONDO:0015356.

Submissions (3):

Ambry Genetics
Classification: Uncertain significance for Hereditary cancer-predisposing syndrome. Last evaluated: 2025-07-12. Review status: criteria provided, single submitter. Criteria: Ambry Variant Classification Scheme 2023. Collection method: clinical testing. Allele origin: germline.
Comment: The p.S438R variant (also known as c.1314T>A), located in coding exon 9 of the PTCH1 gene, results from a T to A substitution at nucleotide position 1314. The serine at codon 438 is replaced by arginine, an amino acid with dissimilar properties. This amino acid position is conserved. In addition, this alteration is predicted to be deleterious by in silico analysis. Based on the available evidence, the clinical significance of this variant remains unclear.

Labcorp Genetics (formerly Invitae), Labcorp
Classification: Uncertain significance for Gorlin syndrome. Last evaluated: 2024-03-27. Review status: criteria provided, single submitter. Criteria: Invitae Variant Classification Sherloc (09022015). Collection method: clinical testing. Allele origin: germline.
Comment: This sequence change replaces serine, which is neutral and polar, with arginine, which is basic and polar, at codon 438 of the PTCH1 protein (p.Ser438Arg). This variant is not present in population databases (gnomAD no frequency). This variant has not been reported in the literature in individuals affected with PTCH1-related conditions. ClinVar contains an entry for this variant (Variation ID: 1314321). Advanced modeling of protein sequence and biophysical properties (such as structural, functional, and spatial information, amino acid conservation, physicochemical variation, residue mobility, and thermodynamic stability) performed at Invitae indicates that this missense variant is not expected to disrupt PTCH1 protein function with a negative predictive value of 95%. In summary, the available evidence is currently insufficient to determine the role of this variant in disease. Therefore, it has been classified as a Variant of Uncertain Significance.

GeneDx
Classification: Uncertain significance. Last evaluated: 2021-03-30. Review status: criteria provided, single submitter. Criteria: GeneDx Variant Classification Process June 2021. Collection method: clinical testing. Allele origin: germline. Affected: yes.
Comment: Not observed in large population cohorts (Lek et al., 2016); In silico analysis supports that this missense variant has a deleterious effect on protein structure/function; Has not been previously published as pathogenic or benign to our knowledge

NM_000264.5(PTCH1):c.1314T>A (p.Ser438Arg)

Gene: PTCH1 (patched 1; minus strand). Cytogenetic location: 9q22.32.
Variant type: single nucleotide variant.
Coding change: c.1314T>A on transcript NM_000264.5 (MANE Select); coding-DNA position 1314, T replaced by A.
Protein change: p.Ser438Arg; replaces serine 438 with arginine.
Molecular consequence: missense variant. On other transcripts: non-coding transcript variant (1).
Genome position (GRCh38, 1-based): chr9:95,478,088, A>T on the plus strand (T>A on the coding strand, the complement: PTCH1 is on the minus strand). VCF-style: chr9-95478088-A-T. GRCh37 (hg19) VCF-style: chr9-98240370-A-T.
Other names: c.861T>A, p.Ser287Arg (NM_001083605.3, NM_001083606.3, NM_001083604.3 and 1 more transcripts); c.1116T>A, p.Ser372Arg (NM_001083602.3); c.1311T>A, p.Ser437Arg (NM_001083603.3); c.1314T>A, p.Ser438Arg (NM_001354918.2); short protein forms S287R, S372R, S437R, S438R.
Identifiers: ClinVar variation 1314321 (VCV001314321.10), dbSNP rs1588602538, ClinGen allele CA374118765.
Genomic context (GRCh38, chr9:95,478,088, plus strand): 5'-CCCCAGGAGCATGGCATCGAGCGTTACCATGAGTAAGTAGCCGCTGGCCACGCGGATGAC[A>T]CTGACGTCAGAGAAGGATTTCAGGATGTCGTCCAGGGTCGTGGTGGTGAAGGAAAGCACC-3'
Protein context (NP_000255.2, residues 428-448): DDILKSFSDV[Ser438Arg]VIRVASGYLL